The following is an entry in ClinVar:

NM_000098.3(CPT2):c.1293_1296del (p.Glu432fs)

Gene: CPT2 (carnitine palmitoyltransferase 2; plus strand). Cytogenetic location: 1p32.3.
Variant type: Deletion.
Coding change: c.1293_1296del on transcript NM_000098.3 (MANE Select); coding-DNA positions 1293 to 1296, 4 bases deleted (GGAA; older notation c.1293_1296delGGAA).
Protein change: p.Glu432fs; shifts the reading frame from glutamic acid 432.
Molecular consequence: frameshift variant.
Genome position (GRCh38, 1-based): chr1:53,210,967-53,210,970, GGAA deleted; deleting any 4 consecutive bases within chr1:53,210,965-53,210,970 gives the same sequence; the c. name uses the placement nearest the transcript's 3' end. VCF-style (leftmost placement, unchanged base first): chr1-53210964-TAAGG-T. GRCh37 (hg19) VCF-style: chr1-53676636-TAAGG-T.
Other names: c.1293_1296del, p.Glu432fs (NM_001330589.2); short protein forms E432fs.
Identifiers: ClinVar variation 1400802 (VCV001400802.6), dbSNP rs2100274025, ClinGen allele CA2573131915.

ClinVar aggregate classification (germline): Pathogenic (1 of 4 stars; one submission).

Conditions:
Carnitine palmitoyltransferase II deficiency. Also called: Carnitine Palmitoyltransferase 2 Deficiency. Identifiers: Orphanet 157, MedGen C0342790, MONDO:0015515.

Submission:

Labcorp Genetics (formerly Invitae), Labcorp
Classification: Pathogenic for Carnitine palmitoyltransferase II deficiency. Last evaluated: 2021-03-25. Review status: criteria provided, single submitter. Criteria: Invitae Variant Classification Sherloc (09022015). Collection method: clinical testing. Allele origin: germline.
Comment: For these reasons, this variant has been classified as Pathogenic. This variant has not been reported in the literature in individuals with CPT2-related conditions. This variant is not present in population databases (ExAC no frequency). This sequence change creates a premature translational stop signal (p.Glu432Serfs*6) in the CPT2 gene. It is expected to result in an absent or disrupted protein product. Loss-of-function variants in CPT2 are known to be pathogenic (PMID: 16781677, 16996287).

Literature cited by the submitters: PubMed 16781677; PubMed 16996287.